The following is an entry in ClinVar:

ClinVar aggregate classification (germline): Uncertain significance (1 of 4 stars; one submission).

Conditions:
Glycine encephalopathy. Also called: Non-ketotic hyperglycinemia; Nonketotic hyperglycinemia. Identifiers: Orphanet 407, MedGen C0751748, MONDO:0011612, HP:0008288.

Allele frequency attached by ClinVar (database versions not stated): TOPMed below 0.00001; gnomAD 0.00001.
gnomAD v4.1: 1 of 1,614,014 alleles (0.000062%); highest among the groups gnomAD compares: East Asian, 0.0022%; no homozygotes.

Submission:

Labcorp Genetics (formerly Invitae), Labcorp
Classification: Uncertain significance for Glycine encephalopathy. Last evaluated: 2025-11-17. Review status: criteria provided, single submitter. Criteria: Invitae Variant Classification Sherloc (09022015). Collection method: clinical testing. Allele origin: germline.
Comment: This sequence change falls in intron 17 of the GLDC gene. It does not directly change the encoded amino acid sequence of the GLDC protein. It affects a nucleotide within the consensus splice site. This variant is present in population databases (no rsID available, gnomAD 0.06%). This variant has not been reported in the literature in individuals affected with GLDC-related conditions. ClinVar contains an entry for this variant (Variation ID: 2162052). Variants that disrupt the consensus splice site are a relatively common cause of aberrant splicing (PMID: 17576681, 9536098). Algorithms developed to predict the effect of sequence changes on RNA splicing suggest that this variant is not likely to affect RNA splicing. In summary, the available evidence is currently insufficient to determine the role of this variant in disease. Therefore, it has been classified as a Variant of Uncertain Significance.

Literature cited by the submitters: PubMed 17576681; PubMed 9536098.

NM_000170.3(GLDC):c.2052+4C>T

Gene: GLDC (glycine decarboxylase; minus strand). Cytogenetic location: 9p24.1.
Variant type: single nucleotide variant.
Coding change: c.2052+4C>T on transcript NM_000170.3 (MANE Select); 4 bases into the intron after coding-DNA position 2052, C replaced by T.
Molecular consequence: intron variant.
Genome position (GRCh38, 1-based): chr9:6,558,555, G>A on the plus strand (C>T on the coding strand, the complement: GLDC is on the minus strand). VCF-style: chr9-6558555-G-A. GRCh37 (hg19) VCF-style: chr9-6558555-G-A.
Identifiers: ClinVar variation 2162052 (VCV002162052.4), dbSNP rs1265639786, ClinGen allele CA585763377.
Genomic context (GRCh38, chr9:6,558,555, plus strand): 5'-TCCCTGATCCCCACCAGCACTCCCCATCCCGGCCTCTCCCATCTGCTAAGGAGAAGACAA[G>A]TACCATGGCCTTGAGGTGAACTGCATCGATATTCCCATATTTATCCACCTCCACAGGCTG-3'